The following is an entry in ClinVar:

NC_012920.1(MT-TP):m.15983T>C

Gene: MT-TP (mitochondrially encoded tRNA proline; minus strand).
Variant type: single nucleotide variant.
Genome position: chrM-15983-T-C.
Identifiers: ClinVar variation 690266 (VCV000690266.1), dbSNP rs1603225623, ClinGen allele CA913175366.

ClinVar aggregate classification (germline): Uncertain significance (1 of 4 stars; one submission).

Conditions:
MELAS syndrome (MELAS). Also called: Juvenile myopathy, encephalopathy, lactic acidosis, stroke. Identifiers: Orphanet 550, MedGen C0162671, MONDO:0010789, OMIM 540000.

Submission:

Wong Mito Lab, Molecular and Human Genetics, Baylor College of Medicine
Classification: Uncertain significance for MELAS syndrome. Last evaluated: 2019-07-12. Review status: criteria provided, single submitter. Criteria: Modified ACMG Guidelines (Unpublished). Collection method: clinical testing. Allele origin: germline.
Comment: The NC_012920.1:m.15983T>C variant in MT-TP gene is interpreted to be a Unknown Significance variant based on the modified ACMG guidelines (unpublished). This variant meets the following evidence codes reported in the guidelines: BS1

Literature cited by the submitters: PubMed 31965079.